The following is an entry in ClinVar:

ClinVar aggregate classification (germline): Benign (1 of 4 stars; one submission).

Conditions:
MEG3-related disorder. Also called: MEG3-related condition.

gnomAD v4.1: 29,898 of 174,500 alleles (17%); highest among the groups gnomAD compares: African/African-American, 22%; 2,786 homozygotes.

Submission:

PreventionGenetics, part of Exact Sciences
Classification: Benign for MEG3-related condition. Last evaluated: 2025-07-31. Review status: criteria provided, single submitter. Criteria: ACMG Guidelines, 2015. Collection method: clinical testing. Allele origin: germline.
Comment: This variant is classified as benign based on ACMG/AMP sequence variant interpretation guidelines (Richards et al. 2015 PMID: 25741868, with internal and published modifications).

NR_190993.1(MEG3):n.1307C>T

Gene: MEG3 (maternally expressed 3; plus strand). Cytogenetic location: 14q32.2.
Variant type: single nucleotide variant.
Molecular consequence: non-coding transcript variant (on NR_190993.1). On other transcripts: intron variant (1).
Genome position: GRCh38 VCF-style: chr14-100835753-C-T. GRCh37 (hg19) VCF-style: chr14-101302090-C-T.
Identifiers: ClinVar variation 4982981 (VCV004982981.1).